The following is an entry in ClinVar:

ClinVar aggregate classification (germline): Uncertain significance (1 of 4 stars; one submission).

Conditions:
Inborn genetic diseases. Identifiers: MedGen C0950123, MeSH D030342.

gnomAD v4.1: 1 of 1,614,056 alleles (0.000062%); no homozygotes.

Submission:

Ambry Genetics
Classification: Uncertain significance for Inborn genetic diseases. Last evaluated: 2025-07-29. Review status: criteria provided, single submitter. Criteria: Ambry Variant Classification Scheme 2023. Collection method: clinical testing. Allele origin: germline.
Comment: The p.T1600I variant (also known as c.4799C>T), located in coding exon 32 of the ANKRD26 gene, results from a C to T substitution at nucleotide position 4799. The threonine at codon 1600 is replaced by isoleucine, an amino acid with similar properties. This amino acid position is conserved. In addition, this alteration is predicted to be tolerated by in silico analysis. Based on the available evidence, the clinical significance of this variant remains unclear.

NM_014915.3(ANKRD26):c.4799C>T (p.Thr1600Ile)

Gene: ANKRD26 (ankyrin repeat domain containing 26; minus strand). Cytogenetic location: 10p12.1.
Variant type: single nucleotide variant.
Coding change: c.4799C>T on transcript NM_014915.3 (MANE Select); coding-DNA position 4799, C replaced by T.
Protein change: p.Thr1600Ile; replaces threonine 1600 with isoleucine.
Molecular consequence: missense variant.
Genome position (GRCh38, 1-based): chr10:27,013,036, G>A on the plus strand (C>T on the coding strand, the complement: ANKRD26 is on the minus strand). VCF-style: chr10-27013036-G-A. GRCh37 (hg19) VCF-style: chr10-27301965-G-A.
Other names: c.4796C>T, p.Thr1599Ile (NM_001256053.2); short protein forms T1599I, T1600I.
Identifiers: ClinVar variation 4102663 (VCV004102663.1).